The following is an entry in ClinVar:

NM_001048174.2(MUTYH):c.715C>T (p.Gln239Ter)

Gene: MUTYH (mutY DNA glycosylase; minus strand). Cytogenetic location: 1p34.1.
Variant type: single nucleotide variant.
Coding change: c.715C>T on transcript NM_001048174.2 (MANE Select); coding-DNA position 715, C replaced by T.
Protein change: p.Gln239Ter; replaces glutamine 239 with a stop codon.
Molecular consequence: nonsense. On other transcripts: non-coding transcript variant (2).
Genome position (GRCh38, 1-based): chr1:45,332,300, G>A on the plus strand (C>T on the coding strand, the complement: MUTYH is on the minus strand). VCF-style: chr1-45332300-G-A. GRCh37 (hg19) VCF-style: chr1-45797972-G-A.
Other names: c.715C>T, p.Gln239Ter (NM_001048171.2, NM_001048173.2, NM_001293195.2); c.718C>T, p.Gln240Ter (NM_001048172.2); c.799C>T, p.Gln267Ter (NM_001128425.2); c.760C>T, p.Gln254Ter (NM_001293190.2); c.748C>T, p.Gln250Ter (NM_001293191.2); c.439C>T, p.Gln147Ter (NM_001293192.2, NM_001293196.2); c.370C>T, p.Gln124Ter (NM_001350650.2, NM_001350651.2); c.790C>T, p.Gln264Ter (NM_012222.3); short protein forms Q267*, Q239*, Q240*, Q147*, Q254*, Q264*, Q124*, Q250*.
Identifiers: ClinVar variation 186651 (VCV000186651.48), dbSNP rs786203115, ClinGen allele CA014333.
Genomic context (GRCh38, chr1:45,332,300, plus strand): 5'-CCCCTAGCTCCATGGCTGCTTGGTTGAAATCTCCTGGCCGGGCTGGGTCCACCAGCTGCT[G>A]GGCTAGACCCCTAAAAGAAGGGAACACTGCTGTGAAGCAGAGCTCCTTTGCAGACACCCC-3'

ClinVar aggregate classification (germline): Pathogenic/Likely pathogenic. Review status: criteria provided, multiple submitters, no conflicts (2 of 4 stars). 11 submissions from 11 submitters: Pathogenic (9); Likely pathogenic (1). 1 of the submissions does not count toward it. Last evaluated 2026-01-12.

Conditions:
Gastric cancer. Also called: Malignant tumor of stomach; Stomach cancer. Identifiers: MedGen C0024623, MeSH D013274, MONDO:0001056, OMIM 613659, HP:0012126.
Familial adenomatous polyposis 2. Also called: MUTYH-associated polyposis; MUTYH Polyposis; Adenomas, multiple colorectal; FAP type 2; ADENOMAS, MULTIPLE COLORECTAL, AUTOSOMAL RECESSIVE; COLORECTAL ADENOMATOUS POLYPOSIS, AUTOSOMAL RECESSIVE. Identifiers: Orphanet 220460, Orphanet 247798, MedGen C3272841, MONDO:0012041, OMIM 608456.
Hereditary cancer-predisposing syndrome. Also called: Hereditary Cancer Syndrome; Tumor predisposition; Neoplastic Syndromes, Hereditary; Hereditary neoplastic syndrome. Identifiers: Orphanet 140162, MedGen C0027672, MeSH D009386, MONDO:0015356.

Allele frequency attached by ClinVar (database versions not stated): gnomAD exomes 0.00001 and 0.00002; TOPMed 0.00001.

Submissions (11):

Labcorp Genetics (formerly Invitae), Labcorp
Classification: Pathogenic for Familial adenomatous polyposis 2. Last evaluated: 2026-01-12. Review status: criteria provided, single submitter. Criteria: Invitae Variant Classification Sherloc (09022015). Collection method: clinical testing. Allele origin: germline.
Comment: This sequence change creates a premature translational stop signal (p.Gln267*) in the MUTYH gene. It is expected to result in an absent or disrupted protein product. Loss-of-function variants in MUTYH are known to be pathogenic (PMID: 18534194, 20663686). This variant is present in population databases (rs786203115, gnomAD 0.02%). This premature translational stop signal has been observed in individual(s) with colorectal cancer and multiple polyposis (PMID: 17703316, 25892863; internal data). This variant is also known as p.Q253X. ClinVar contains an entry for this variant (Variation ID: 186651). For these reasons, this variant has been classified as Pathogenic.

GeneDx
Classification: Likely pathogenic. Last evaluated: 2025-01-23. Review status: criteria provided, single submitter. Criteria: GeneDx Variant Classification Process June 2021. Collection method: clinical testing. Allele origin: germline.
Comment: Nonsense variant predicted to result in protein truncation or nonsense mediated decay in a gene for which loss of function is a known mechanism of disease; Observed with a pathogenic MUTYH variant, phase unknown, in patients with a personal history consistent with MUTYH-associated polyposis (PMID: 25892863, 31744909); Also known as p.Q239* (c.715C>T), p.Q253* (c.757C>T); This variant is associated with the following publications: (PMID: 26986879, 25892863, 25525159, 17703316, 25856671, 26963279, 29093764, 31744909, 23605219, 25931827, 32980694, 34897210, 32973888, 32521533, 20663686, 33309985, 36243179, 36113475, 32984025, 35273153, 39497414)

Ambry Genetics
Classification: Pathogenic for Hereditary cancer-predisposing syndrome. Last evaluated: 2024-12-13. Review status: criteria provided, single submitter. Criteria: Ambry Variant Classification Scheme 2023. Collection method: clinical testing. Allele origin: germline.
Comment: The p.Q267* pathogenic mutation (also known as c.799C>T), located in coding exon 10 of the MUTYH gene, results from a C to T substitution at nucleotide position 799. This changes the amino acid from a glutamine to a stop codon within coding exon 10. This alteration was detected in conjunction with another MUTYH mutation in an individual diagnosed with colon cancer and adenomatous polyposis of the colon (Kim DW et al. Int. J. Colorectal Dis. 2007 Oct;22(10):1173-8). Of note, this alteration is also designated as p.Q253X in published literature. In addition to the clinical data presented in the literature, this alteration is expected to result in loss of function by premature protein truncation or nonsense-mediated mRNA decay. As such, this alteration is interpreted as a disease-causing mutation.

All of Us Research Program, National Institutes of Health
Classification: Pathogenic for Familial adenomatous polyposis 2. Last evaluated: 2024-09-23. Review status: criteria provided, single submitter. Criteria: ACMG Guidelines, 2015. Collection method: clinical testing. Allele origin: germline. Inheritance: Autosomal recessive inheritance. Observed: 4 variant alleles, 4 heterozygotes.
Comment: This variant changes 1 nucleotide in exon 10 of the MUTYH gene, creating a premature translation stop signal. This variant is expected to result in an absent or non-functional protein product. This variant has been reported with a second pathogenic variant in an individual affected with MUTYH-associated polyposis (PMID: 31744909). This variant has also been reported in individuals affected with colorectal cancer (PMID: 17703316, 25892863, 32984025), most of whom carried a co-variant. One of these individuals had a sister carrying the same mutations and was affected with polyposis (PMID: 25892863). This variant has been identified in 4/249998 chromosomes in the general population by the Genome Aggregation Database (gnomAD). Loss of MUTYH function is a known mechanism of disease. Based on the available evidence, this variant is classified as Pathogenic.

This study involves interpretation of variants in research participants for the purpose of population health screening. Participant phenotype was not available at the time of variant classification. Additional details can be found in publication PMID: 35346344, PMCID: PMC8962531

Hereditary Cancer Laboratory, Hospital Universitario 12 de Octubre
Classification: Pathogenic for Hereditary cancer-predisposing syndrome. Last evaluated: 2024-03-25. Review status: criteria provided, single submitter. Criteria: ACMG Guidelines, 2015. Collection method: clinical testing. Allele origin: germline.
Comment: PVS1,PM2,PP5

Color Diagnostics, LLC DBA Color Health
Classification: Pathogenic for Hereditary cancer-predisposing syndrome. Last evaluated: 2023-11-27. Review status: criteria provided, single submitter. Criteria: ACMG Guidelines, 2015. Collection method: clinical testing. Allele origin: germline.
Comment: This variant changes 1 nucleotide in exon 10 of the MUTYH gene, creating a premature translation stop signal. This variant is expected to result in an absent or non-functional protein product. This variant has been reported with a second pathogenic variant in an individual affected with MUTYH-associated polyposis (PMID: 31744909). This variant has also been reported in individuals affected with colorectal cancer (PMID: 17703316, 25892863, 32984025), most of whom carried a co-variant. One of these individuals had a sister carrying the same mutations and was affected with polyposis (PMID: 25892863). This variant has been identified in 4/249998 chromosomes in the general population by the Genome Aggregation Database (gnomAD). Loss of MUTYH function is a known mechanism of disease. Based on the available evidence, this variant is classified as Pathogenic.

Baylor Genetics
Classification: Pathogenic for Familial adenomatous polyposis 2. Last evaluated: 2023-11-10. Review status: criteria provided, single submitter. Criteria: ACMG Guidelines, 2015. Collection method: clinical testing. Allele origin: unknown.

Revvity Omics, Revvity
Classification: Pathogenic for Familial adenomatous polyposis 2. Last evaluated: 2020-09-09. Review status: criteria provided, single submitter. Criteria: ACMG Guidelines, 2015. Collection method: clinical testing. Allele origin: germline.

HudsonAlpha Institute for Biotechnology
Classification: Pathogenic for Familial adenomatous polyposis 2. Last evaluated: 2018-12-10. Review status: criteria provided, single submitter. Criteria: ACMG Guidelines, 2015. Collection method: research. Allele origin: unknown. Observed: 1 variant allele. Study: AGHI_GT.

Juno Genomics, Hangzhou Juno Genomics, Inc
Classification: Pathogenic for Familial adenomatous polyposis 2; Gastric cancer. Review status: criteria provided, single submitter. Criteria: ACMG Guidelines, 2015. Collection method: clinical testing. Allele origin: germline.
Comment: Absent from controls (or at extremely low frequency if recessive) in Genome Aggregation Database.;Null variant in a gene where loss of function (LOF) is a known mechanism of disease.;For recessive disorders, detected in trans with a pathogenic variant.;Co-segregation with disease in multiple affected family members.

Laboratory for Genotyping Development, RIKEN
Classification: Pathogenic for Gastric cancer. Last evaluated: 2021-07-01. Review status: no assertion criteria provided. Collection method: research. Allele origin: germline. Not counted in ClinVar's aggregate classification.

Literature cited by the submitters: PubMed 18534194 (cited by Labcorp Genetics (formerly Invitae), Labcorp); PubMed 20663686 (cited by Labcorp Genetics (formerly Invitae), Labcorp); PubMed 17703316 (cited by 4 submitters); PubMed 25892863 (cited by 4 submitters); PubMed 23605219 (cited by Ambry Genetics); PubMed 25856671 (cited by Ambry Genetics); PubMed 31744909 (cited by All of Us Research Program, National Institutes of Health and Color Diagnostics, LLC DBA Color Health); PubMed 32984025 (cited by All of Us Research Program, National Institutes of Health and Color Diagnostics, LLC DBA Color Health); PubMed 36988593 (cited by Laboratory for Genotyping Development, RIKEN).